The following is an entry in ClinVar:

NM_001101648.2(NPC1L1):c.3792C>T (p.Tyr1264=)

Gene: NPC1L1 (NPC1 like intracellular cholesterol transporter 1; minus strand). Cytogenetic location: 7p13.
Variant type: single nucleotide variant.
Coding change: c.3792C>T on transcript NM_001101648.2 (MANE Select); coding-DNA position 3792, C replaced by T.
Protein change: p.Tyr1264=; no amino-acid change (tyrosine 1264 retained).
Molecular consequence: synonymous variant.
Genome position (GRCh38, 1-based): chr7:44,515,807, G>A on the plus strand (C>T on the coding strand, the complement: NPC1L1 is on the minus strand). VCF-style: chr7-44515807-G-A. GRCh37 (hg19) VCF-style: chr7-44555406-G-A.
Other names: c.3873C>T, p.Tyr1291= (NM_013389.3).
Identifiers: ClinVar variation 403256 (VCV000403256.4), dbSNP rs10264715, ClinGen allele CA4241418.

ClinVar aggregate classification (germline): Benign (1 of 4 stars; one submission).

Allele frequency attached by ClinVar (database versions not stated): 1000 Genomes Project 0.08067; 1000 Genomes Project 30x 0.08354; TOPMed 0.13789; gnomAD 0.15835 and 0.16099; gnomAD exomes 0.16615 and 0.20704; ExAC 0.16864; ESP Exome Variant Server 0.16885.
gnomAD v4.1: 325,801 of 1,613,972 alleles (20%); highest among the groups gnomAD compares: Non-Finnish European, 23%; 36,381 homozygotes.

Submission:

Laboratory for Molecular Medicine, Mass General Brigham Personalized Medicine
Classification: Benign. Last evaluated: 2016-03-29. Review status: criteria provided, single submitter. Criteria: LMM Criteria. Collection method: clinical testing. Allele origin: germline.
Comment: Variant identified in a genome or exome case(s) and assessed due to predicted null impact of the variant or pathogenic assertions in the literature or databases. Disclaimer: This variant has not undergone full assessment. The following are preliminary notes: Frequency